The following is an entry in ClinVar:

NM_015599.3(PGM3):c.-2-218G>A

Gene: PGM3 (phosphoglucomutase 3; minus strand). Cytogenetic location: 6q14.1.
Variant type: single nucleotide variant.
Coding change: c.-2-218G>A on transcript NM_015599.3 (MANE Select); 218 bases into the intron before 2 bases upstream of the start codon, G replaced by A.
Molecular consequence: intron variant. On other transcripts: missense variant (2).
Genome position (GRCh38, 1-based): chr6:83,191,232, C>T on the plus strand (G>A on the coding strand, the complement: PGM3 is on the minus strand). VCF-style: chr6-83191232-C-T. GRCh37 (hg19) VCF-style: chr6-83900951-C-T.
Other names: c.37G>A, p.Glu13Lys (NM_001199917.2, NM_001367287.1); c.-40+1947G>A (NM_001199918.2); c.-2-218G>A (NM_001367286.1, NM_001199919.2); short protein forms E13K.
Identifiers: ClinVar variation 1900000 (VCV001900000.2), dbSNP rs952702867, ClinGen allele CA141912128.

ClinVar aggregate classification (germline): Uncertain significance (1 of 4 stars; one submission).

Conditions:
Immunodeficiency 23 (IMD23). Also called: IMMUNODEFICIENCY WITH HYPER IgE AND COGNITIVE IMPAIRMENT; IMMUNODEFICIENCY-VASCULITIS-MYOCLONUS SYNDROME. Identifiers: Orphanet 443811, MedGen C4014371, MONDO:0014353, OMIM 615816.

Allele frequency attached by ClinVar (database versions not stated): gnomAD 0.00001; gnomAD exomes 0.00001; TOPMed 0.00001.
gnomAD v4.1: 11 of 1,535,264 alleles (0.00072%); highest among the groups gnomAD compares: South Asian, 0.0059%; no homozygotes.

Submission:

Labcorp Genetics (formerly Invitae), Labcorp
Classification: Uncertain significance for Immunodeficiency 23. Last evaluated: 2022-08-30. Review status: criteria provided, single submitter. Criteria: Invitae Variant Classification Sherloc (09022015). Collection method: clinical testing. Allele origin: germline.
Comment: This sequence change replaces glutamic acid, which is acidic and polar, with lysine, which is basic and polar, at codon 13 of the PGM3 protein (p.Glu13Lys). This variant is not present in population databases (gnomAD no frequency). This variant has not been reported in the literature in individuals affected with PGM3-related conditions. Algorithms developed to predict the effect of missense changes on protein structure and function are either unavailable or do not agree on the potential impact of this missense change (SIFT: "Deleterious"; PolyPhen-2: "Benign"; Align-GVGD: "Class C0"). In summary, the available evidence is currently insufficient to determine the role of this variant in disease. Therefore, it has been classified as a Variant of Uncertain Significance.